The following is an entry in ClinVar:

NM_004281.4(BAG3):c.1361T>C (p.Ile454Thr)

Gene: BAG3 (BAG cochaperone 3; plus strand). Cytogenetic location: 10q26.11.
Variant type: single nucleotide variant.
Coding change: c.1361T>C on transcript NM_004281.4 (MANE Select); coding-DNA position 1361, T replaced by C.
Protein change: p.Ile454Thr; replaces isoleucine 454 with threonine.
Molecular consequence: missense variant.
Genome position (GRCh38, 1-based): chr10:119,676,915, T>C. VCF-style: chr10-119676915-T-C. GRCh37 (hg19) VCF-style: chr10-121436427-T-C.
Other names: short protein forms I454T.
Identifiers: ClinVar variation 2078627 (VCV002078627.4), dbSNP rs1847246006, ClinGen allele CA378297160.

ClinVar aggregate classification (germline): Uncertain significance (1 of 4 stars; one submission).

Conditions:
Myofibrillar myopathy 6. Identifiers: Orphanet 199340, MedGen C2751831, MONDO:0013061, OMIM 612954.
Dilated cardiomyopathy 1HH (CMD1HH). Identifiers: Orphanet 154, MedGen C3151293, MONDO:0013479, OMIM 613881.

Submission:

Labcorp Genetics (formerly Invitae), Labcorp
Classification: Uncertain significance for Dilated cardiomyopathy 1HH; Myofibrillar myopathy 6. Last evaluated: 2022-07-05. Review status: criteria provided, single submitter. Criteria: Invitae Variant Classification Sherloc (09022015). Collection method: clinical testing. Allele origin: germline.
Comment: In summary, the available evidence is currently insufficient to determine the role of this variant in disease. Therefore, it has been classified as a Variant of Uncertain Significance. Algorithms developed to predict the effect of missense changes on protein structure and function are either unavailable or do not agree on the potential impact of this missense change (SIFT: "Deleterious"; PolyPhen-2: "Not Available"; Align-GVGD: "Class C65"). This variant has not been reported in the literature in individuals affected with BAG3-related conditions. This variant is not present in population databases (gnomAD no frequency). This sequence change replaces isoleucine, which is neutral and non-polar, with threonine, which is neutral and polar, at codon 454 of the BAG3 protein (p.Ile454Thr).